The following is an entry in ClinVar:

NM_014391.3(ANKRD1):c.454-18A>G

Gene: ANKRD1 (ankyrin repeat domain 1; minus strand). Cytogenetic location: 10q23.31.
Variant type: single nucleotide variant.
Coding change: c.454-18A>G on transcript NM_014391.3 (MANE Select); 18 bases into the intron before coding-DNA position 454, A replaced by G.
Molecular consequence: intron variant.
Genome position (GRCh38, 1-based): chr10:90,917,848, T>C on the plus strand (A>G on the coding strand, the complement: ANKRD1 is on the minus strand). VCF-style: chr10-90917848-T-C. GRCh37 (hg19) VCF-style: chr10-92677605-T-C.
Identifiers: ClinVar variation 2904616 (VCV002904616.3), dbSNP rs1847389077, ClinGen allele CA1927488175.
Genomic context (GRCh38, chr10:90,917,848, plus strand): 5'-AATGTCCTTCCAAGCATGCTCTATGAAGAGCTGTCCGTTTATACTATCAGAACAGAGATT[T>C]TAAACAGAGATAGCAATAAATATAAAAATGTGTGTAAACCCTTTTAAGAGCTATGAAGCT-3'

ClinVar aggregate classification (germline): Uncertain significance (1 of 4 stars; one submission).

Conditions:
ANKRD1-related dilated cardiomyopathy. Identifiers: MedGen CN119551.

Allele frequency attached by ClinVar (database versions not stated): TOPMed 0.00001.

Submission:

Labcorp Genetics (formerly Invitae), Labcorp
Classification: Uncertain significance for ANKRD1-related dilated cardiomyopathy. Last evaluated: 2023-09-03. Review status: criteria provided, single submitter. Criteria: Invitae Variant Classification Sherloc (09022015). Collection method: clinical testing. Allele origin: germline.
Comment: This variant has not been reported in the literature in individuals affected with ANKRD1-related conditions. Algorithms developed to predict the effect of sequence changes on RNA splicing suggest that this variant may disrupt the consensus splice site. In summary, the available evidence is currently insufficient to determine the role of this variant in disease. Therefore, it has been classified as a Variant of Uncertain Significance. This variant is not present in population databases (gnomAD no frequency). This sequence change falls in intron 4 of the ANKRD1 gene. It does not directly change the encoded amino acid sequence of the ANKRD1 protein.